The following is an entry in ClinVar:

ClinVar aggregate classification (germline): Likely pathogenic (1 of 4 stars; one submission).

Submission:

GeneDx
Classification: Likely pathogenic. Last evaluated: 2022-03-22. Review status: criteria provided, single submitter. Criteria: GeneDx Variant Classification Process June 2021. Collection method: clinical testing. Allele origin: germline. Affected: yes.
Comment: Not observed in large population cohorts (gnomAD); The majority of missense variants in this gene are considered pathogenic (HGMD); In silico analysis, which includes protein predictors and evolutionary conservation, supports a deleterious effect; Has not been previously published as pathogenic or benign to our knowledge; This substitution is predicted to be within the extracellular loop between the S1 and S2 transmembrane segments of the third homologous domain

NM_001165963.4(SCN1A):c.3715G>C (p.Asp1239His)

Genes: SCN1A (sodium voltage-gated channel alpha subunit 1; minus strand), LOC102724058 (uncharacterized LOC102724058; plus strand). Cytogenetic location: 2q24.3.
Variant type: single nucleotide variant.
Coding change: c.3715G>C on transcript NM_001165963.4 (MANE Select); coding-DNA position 3715, G replaced by C.
Protein change: p.Asp1239His; replaces aspartic acid 1239 with histidine.
Molecular consequence: missense variant. On other transcripts: non-coding transcript variant (1).
Genome position (GRCh38, 1-based): chr2:166,012,273, C>G on the plus strand (G>C on the coding strand, the complement: SCN1A is on the minus strand). VCF-style: chr2-166012273-C-G. GRCh37 (hg19) VCF-style: chr2-166868783-C-G.
Other names: c.3631G>C, p.Asp1211His (NM_001165964.3, NM_001353957.2, NM_001353958.2); c.3715G>C, p.Asp1239His (NM_001202435.3, NM_001353948.2); c.3682G>C, p.Asp1228His (NM_001353949.2, NM_001353950.2, NM_001353951.2 and 2 more transcripts); c.3679G>C, p.Asp1227His (NM_001353954.2, NM_001353955.2); c.3628G>C, p.Asp1210His (NM_001353960.2); c.1273G>C, p.Asp425His (NM_001353961.2); short protein forms D1210H, D1211H, D1227H, D1228H, D1239H, D425H.
Identifiers: ClinVar variation 1310897 (VCV001310897.3), dbSNP rs2105594076, ClinGen allele CA349054667.